The following is an entry in ClinVar:

ClinVar aggregate classification (germline): Pathogenic/Likely pathogenic. Review status: criteria provided, multiple submitters, no conflicts (2 of 4 stars). 6 submissions from 6 submitters: Pathogenic (3); Likely pathogenic (2). 1 of the submissions does not count toward it. Last evaluated 2025-09-09.

Conditions:
Primary ciliary dyskinesia. Also called: Ciliary dyskinesia. Identifiers: Orphanet 244, MedGen C0008780, MONDO:0016575, HP:0012265.
Primary ciliary dyskinesia 3. Identifiers: Orphanet 244, MedGen C1837618, MONDO:0012085, OMIM 608644.

Allele frequency attached by ClinVar (database versions not stated): gnomAD exomes below 0.00001; TOPMed below 0.00001; ExAC 0.00001; gnomAD 0.00001.
gnomAD v4.1: 3 of 1,613,976 alleles (0.00019%); highest among the groups gnomAD compares: Non-Finnish European, 0.00025%; no homozygotes.

Submissions (6):

Labcorp Genetics (formerly Invitae), Labcorp
Classification: Pathogenic for Primary ciliary dyskinesia. Last evaluated: 2025-09-09. Review status: criteria provided, single submitter. Criteria: Invitae Variant Classification Sherloc (09022015). Collection method: clinical testing. Allele origin: germline.
Comment: This sequence change creates a premature translational stop signal (p.Trp4036*) in the DNAH5 gene. It is expected to result in an absent or disrupted protein product. Loss-of-function variants in DNAH5 are known to be pathogenic (PMID: 11788826, 16627867). This variant is present in population databases (rs760104757, gnomAD 0.0009%). This premature translational stop signal has been observed in individual(s) with primary ciliary dyskinesia (PMID: 30067075). ClinVar contains an entry for this variant (Variation ID: 953233). For these reasons, this variant has been classified as Pathogenic.

Natera, Inc.
Classification: Likely pathogenic for Primary ciliary dyskinesia. Last evaluated: 2025-02-26. Review status: criteria provided, single submitter. Criteria: Natera Variant Classification Schema (03/2026). Collection method: clinical testing. Allele origin: germline.
Comment: The c.12107G>A variant in DNAH5 is a nonsense variant predicted to introduce a stop codon at amino acid 4036. This variant is expected to result in nonsense mediated decay, truncation, or a dysfunctional protein product. This variant is rare in the general population with a frequency below the threshold expected for the associated phenotype(s). Given the available evidence, this variant is classified as Likely Pathogenic.

Revvity Omics, Revvity
Classification: Pathogenic for Primary ciliary dyskinesia 3. Last evaluated: 2021-03-29. Review status: criteria provided, single submitter. Criteria: ACMG Guidelines, 2015. Collection method: clinical testing. Allele origin: germline.

UNC Molecular Genetics  Laboratory, University of North Carolina at Chapel Hill
Classification: Likely pathogenic for Primary ciliary dyskinesia. Last evaluated: 2019-04-02. Review status: criteria provided, single submitter. Criteria: ACMG Guidelines, 2015. Collection method: clinical testing. Allele origin: germline. Observed: 1 heterozygote.

Kasturba Medical College, Manipal, Kasturba Medical College, Manipal, Manipal Academy of Higher Education, Manipal, India
Classification: Pathogenic for Primary ciliary dyskinesia 3. Review status: criteria provided, single submitter. Criteria: ACMG Guidelines, 2015. Collection method: research. Allele origin: unknown. Inheritance: Autosomal recessive inheritance. Affected: yes. Observed: 1 variant allele, 1 homozygote.
Comment: This variant is not observed in homozygous state in the gnomAD (v4.1.0) population database and our in-house database of 4264 individuals. The same variant is observed in three individuals in heterozygous state in gnomAD (v4.1.0) population database and none in our in-house database of 4264 individuals. The variant is predicted to introduce a premature termination codon in the transcript which may either lead to nonsense-mediated mRNA decay of the transcript or the formation of a truncated protein product.

Yale Center for Mendelian Genomics, Yale University
Classification: Likely pathogenic for Primary ciliary dyskinesia. Last evaluated: 2018-08-01. Review status: no assertion criteria provided. Collection method: literature only. Allele origin: germline. Affected: yes. Observed: 1 compound heterozygote. Study: Yale Center for Mendelian Genomics. Not counted in ClinVar's aggregate classification.

Literature cited by the submitters: PubMed 11788826 (cited by Labcorp Genetics (formerly Invitae), Labcorp); PubMed 16627867 (cited by Labcorp Genetics (formerly Invitae), Labcorp); PubMed 30067075 (cited by 3 submitters).

NM_001369.3(DNAH5):c.12107G>A (p.Trp4036Ter)

Gene: DNAH5 (dynein axonemal heavy chain 5; minus strand). Cytogenetic location: 5p15.2.
Variant type: single nucleotide variant.
Coding change: c.12107G>A on transcript NM_001369.3 (MANE Select); coding-DNA position 12107, G replaced by A.
Protein change: p.Trp4036Ter; replaces tryptophan 4036 with a stop codon.
Molecular consequence: nonsense.
Genome position (GRCh38, 1-based): chr5:13,721,172, C>T on the plus strand (G>A on the coding strand, the complement: DNAH5 is on the minus strand). VCF-style: chr5-13721172-C-T. GRCh37 (hg19) VCF-style: chr5-13721281-C-T.
Other names: short protein forms W4036*.
Identifiers: ClinVar variation 953233 (VCV000953233.16), dbSNP rs760104757, ClinGen allele CA3201735.